The following is an entry in ClinVar:

ClinVar aggregate classification (germline): Pathogenic (1 of 4 stars; one submission).

Conditions:
Glycogen storage disease, type V (GSD5). Also called: MUSCLE GLYCOGEN PHOSPHORYLASE DEFICIENCY; MYOPHOSPHORYLASE DEFICIENCY; PYGM DEFICIENCY; MCARDLE DISEASE; McArdle type glycogen storage disease. Identifiers: Orphanet 368, MedGen C0017924, MONDO:0009293, OMIM 232600.

Submission:

Labcorp Genetics (formerly Invitae), Labcorp
Classification: Pathogenic for Glycogen storage disease, type V. Last evaluated: 2019-12-03. Review status: criteria provided, single submitter. Criteria: Invitae Variant Classification Sherloc (09022015). Collection method: clinical testing. Allele origin: germline.
Comment: This sequence change creates a premature translational stop signal (p.Asp43Glufs*39) in the PYGM gene. It is expected to result in an absent or disrupted protein product. This variant is not present in population databases (ExAC no frequency). This variant has not been reported in the literature in individuals with PYGM-related conditions. Loss-of-function variants in PYGM are known to be pathogenic (PMID: 8316268, 16786513). For these reasons, this variant has been classified as Pathogenic.

Literature cited by the submitters: PubMed 8316268; PubMed 16786513.

NM_005609.4(PYGM):c.129_150del (p.Asp43fs)

Gene: PYGM (glycogen phosphorylase, muscle associated; minus strand). Cytogenetic location: 11q13.1.
Variant type: Deletion.
Coding change: c.129_150del on transcript NM_005609.4 (MANE Select); coding-DNA positions 129 to 150, 22 bases deleted (CCGCAATGTGGCCACCCCACGA).
Protein change: p.Asp43fs; shifts the reading frame from aspartic acid 43.
Molecular consequence: frameshift variant.
Genome position (GRCh38, 1-based): chr11:64,759,749-64,759,770, TCGTGGGGTGGCCACATTGCGG deleted on the plus strand (CCGCAATGTGGCCACCCCACGA on the coding strand, the reverse complement: PYGM is on the minus strand); deleting any 22 consecutive bases within chr11:64,759,749-64,759,772 gives the same sequence; the c. name uses the placement nearest the transcript's 3' end. VCF-style (leftmost placement, unchanged base first): chr11-64759748-CTCGTGGGGTGGCCACATTGCGG-C. GRCh37 (hg19) VCF-style: chr11-64527220-CTCGTGGGGTGGCCACATTGCGG-C.
Other names: c.129_150del, p.Asp43fs (NM_001164716.1); short protein forms D43fs.
Identifiers: ClinVar variation 848029 (VCV000848029.7), dbSNP rs2058421657, ClinGen allele CA916083248.